The following is an entry in ClinVar:

ClinVar aggregate classification (germline): Conflicting classifications of pathogenicity. Review status: criteria provided, conflicting classifications (1 of 4 stars). 5 submissions from 5 submitters: Uncertain significance (1); Likely benign (3). 1 of the submissions does not count toward it. Last evaluated 2023-06-15.

Conditions:
Sotos syndrome (SOTOS). Also called: Sotos' syndrome; CHROMOSOME 5q35 DELETION SYNDROME; SOTOS SYNDROME 1; CEREBRAL GIGANTISM; Distinctive facial appearance, overgrowth in childhood, and learning disabilities or delayed development. Identifiers: Orphanet 821, MedGen C0175695, MONDO:0019349, OMIM 117550.
Inborn genetic diseases. Identifiers: MedGen C0950123, MeSH D030342.
NSD1-related disorder. Also called: NSD1-related condition.

Allele frequency attached by ClinVar (database versions not stated): gnomAD exomes 0.00006 and 0.00003; ExAC 0.00007; gnomAD 0.00003; 1000 Genomes Project 0.00020; TOPMed 0.00003; ESP Exome Variant Server 0.00008; 1000 Genomes Project 30x 0.00016.
gnomAD v4.1: 47 of 1,613,468 alleles (0.0029%); highest among the groups gnomAD compares: Non-Finnish European, 0.0038%; 1 homozygote.

Submissions (5):

Labcorp Genetics (formerly Invitae), Labcorp
Classification: Likely benign. Last evaluated: 2023-06-15. Review status: criteria provided, single submitter. Criteria: Invitae Variant Classification Sherloc (09022015). Collection method: clinical testing. Allele origin: germline.

Blueprint Genetics
Classification: Likely benign. Last evaluated: 2022-06-21. Review status: criteria provided, single submitter. Criteria: ACMG Guidelines, 2015. Collection method: clinical testing. Allele origin: germline.

Fulgent Genetics
Classification: Uncertain significance for Sotos syndrome. Last evaluated: 2021-11-24. Review status: criteria provided, single submitter. Criteria: ACMG Guidelines, 2015. Collection method: clinical testing. Allele origin: unknown.

Ambry Genetics
Classification: Likely benign for Inborn genetic diseases. Last evaluated: 2017-09-26. Review status: criteria provided, single submitter. Criteria: Ambry Variant Classification Scheme 2023. Collection method: clinical testing. Allele origin: germline.

PreventionGenetics, part of Exact Sciences
Classification: Likely benign for NSD1-related condition. Last evaluated: 2024-09-01. Review status: no assertion criteria provided. Collection method: clinical testing. Allele origin: germline. Not counted in ClinVar's aggregate classification.
Comment: This variant is classified as likely benign based on ACMG/AMP sequence variant interpretation guidelines (Richards et al. 2015 PMID: 25741868, with internal and published modifications).

NM_022455.5(NSD1):c.4332C>T (p.Gly1444=)

Gene: NSD1 (nuclear receptor binding SET domain protein 1; plus strand). Cytogenetic location: 5q35.3.
Variant type: single nucleotide variant.
Coding change: c.4332C>T on transcript NM_022455.5 (MANE Select); coding-DNA position 4332, C replaced by T.
Protein change: p.Gly1444=; no amino-acid change (glycine 1444 retained).
Molecular consequence: synonymous variant.
Genome position (GRCh38, 1-based): chr5:177,244,224, C>T. VCF-style: chr5-177244224-C-T. GRCh37 (hg19) VCF-style: chr5-176671225-C-T.
Other names: c.3459C>T, p.Gly1153= (NM_001365684.2, NM_001409306.1, NM_001409307.1 and 3 more transcripts); c.4332C>T, p.Gly1444= (NM_001409301.1, NM_001409302.1, NM_001409303.1); c.3912C>T, p.Gly1304= (NM_001409304.1); c.3579C>T, p.Gly1193= (NM_001409305.1).
Identifiers: ClinVar variation 941731 (VCV000941731.13), dbSNP rs147235302, ClinGen allele CA3577616.